The following is an entry in ClinVar:

ClinVar aggregate classification (germline): Likely pathogenic (1 of 4 stars; one submission).

Conditions:
Neurodevelopmental disorder with dysmorphic facies, brain anomalies, and seizures. Identifiers: MedGen C6012725, MONDO:0978301, OMIM 621201.

gnomAD v4.1: 1 of 1,601,030 alleles (0.000062%); no homozygotes.

Submission:

Department of Genetics, Fundacion Jimenez Diaz University Hospital
Classification: Likely pathogenic for Neurodevelopmental disorder with dysmorphic facies, brain anomalies, and seizures. Last evaluated: 2026-03-27. Review status: criteria provided, single submitter. Criteria: ACMG Guidelines, 2015. Collection method: clinical testing. Allele origin: germline. Inheritance: Autosomal recessive inheritance. Affected: yes.
Comment: This nonsense variant is predicted to introduce a premature termination codon, likely resulting in loss of function of the protein. Loss of function is an established disease mechanism for GTF3C3 (PVS1). The variant is present in population databases (gnomAD) at a very low frequency (<0.01%), consistent with a rare disorder (PM2_supporting). Based on the available evidence, this variant is classified as likely pathogenic.

Literature cited by the submitters: PubMed 41826713.

NM_012086.5(GTF3C3):c.1708C>T (p.Arg570Ter)

Gene: GTF3C3 (general transcription factor IIIC subunit 3; minus strand). Cytogenetic location: 2q33.1.
Variant type: single nucleotide variant.
Coding change: c.1708C>T on transcript NM_012086.5 (MANE Select); coding-DNA position 1708, C replaced by T.
Protein change: p.Arg570Ter; replaces arginine 570 with a stop codon.
Molecular consequence: nonsense.
Genome position (GRCh38, 1-based): chr2:196,775,239, G>A on the plus strand (C>T on the coding strand, the complement: GTF3C3 is on the minus strand). VCF-style: chr2-196775239-G-A. GRCh37 (hg19) VCF-style: chr2-197639963-G-A.
Other names: short protein forms R570*.
Identifiers: ClinVar variation 4819553 (VCV004819553.1).